The following is an entry in ClinVar:

ClinVar aggregate classification (germline): Uncertain significance. Review status: criteria provided, multiple submitters, no conflicts (2 of 4 stars). 2 submissions from 2 submitters: Uncertain significance (2). Last evaluated 2022-09-19.

Allele frequency attached by ClinVar (database versions not stated): gnomAD exomes below 0.00001; TOPMed below 0.00001; ExAC 0.00001.

Submissions (2):

Women's Health and Genetics/Laboratory Corporation of America, LabCorp
Classification: Uncertain significance. Last evaluated: 2022-09-19. Review status: criteria provided, single submitter. Criteria: LabCorp Variant Classification Summary - May 2015. Collection method: clinical testing. Allele origin: germline.
Comment: Variant summary: SLC33A1 c.463A>G (p.Met155Val) results in a conservative amino acid change in the encoded protein sequence. Three of five in-silico tools predict a benign effect of the variant on protein function. The variant allele was found at a frequency of 4e-06 in 251462 control chromosomes (gnomAD). The available data on variant occurrences in the general population are insufficient to allow any conclusion about variant significance. To our knowledge, no occurrence of c.463A>G in individuals affected with Congenital Cataract-Hearing Loss-Severe Developmental Delay Syndrome and no experimental evidence demonstrating its impact on protein function have been reported. No clinical diagnostic laboratories have submitted clinical-significance assessments for this variant to ClinVar after 2014. Based on the evidence outlined above, the variant was classified as uncertain significance.

GeneDx
Classification: Uncertain significance. Last evaluated: 2022-03-08. Review status: criteria provided, single submitter. Criteria: GeneDx Variant Classification Process June 2021. Collection method: clinical testing. Allele origin: germline. Affected: yes.
Comment: Not observed at significant frequency in large population cohorts (gnomAD); In silico analysis supports that this missense variant has a deleterious effect on protein structure/function; Has not been previously published as pathogenic or benign to our knowledge

NM_004733.4(SLC33A1):c.463A>G (p.Met155Val)

Gene: SLC33A1 (solute carrier family 33 member 1; minus strand). Cytogenetic location: 3q25.31.
Variant type: single nucleotide variant.
Coding change: c.463A>G on transcript NM_004733.4 (MANE Select); coding-DNA position 463, A replaced by G.
Protein change: p.Met155Val; replaces methionine 155 with valine.
Molecular consequence: missense variant.
Genome position (GRCh38, 1-based): chr3:155,853,535, T>C on the plus strand (A>G on the coding strand, the complement: SLC33A1 is on the minus strand). VCF-style: chr3-155853535-T-C. GRCh37 (hg19) VCF-style: chr3-155571324-T-C.
Other names: c.463A>G, p.Met155Val (NM_001190992.2, NM_001363883.1); short protein forms M155V.
Identifiers: ClinVar variation 1704669 (VCV001704669.3), dbSNP rs776921882, ClinGen allele CA2677420.